The following is an entry in ClinVar:

NM_000089.4(COL1A2):c.2295T>C (p.Ala765=)

Gene: COL1A2 (collagen type I alpha 2 chain; plus strand). Cytogenetic location: 7q21.3.
Variant type: single nucleotide variant.
Coding change: c.2295T>C on transcript NM_000089.4 (MANE Select); coding-DNA position 2295, T replaced by C.
Protein change: p.Ala765=; no amino-acid change (alanine 765 retained).
Molecular consequence: synonymous variant.
Genome position (GRCh38, 1-based): chr7:94,420,648, T>C. VCF-style: chr7-94420648-T-C. GRCh37 (hg19) VCF-style: chr7-94049960-T-C.
Identifiers: ClinVar variation 2447079 (VCV002447079.5), dbSNP rs749567617, ClinGen allele CA4347371.
Genomic context (GRCh38, chr7:94,420,648, plus strand): 5'-GCCTAAGGGTGAAAACGGTGTTGTTGGTCCCACAGGCCCCGTTGGAGCTGCTGGCCCAGC[T>C]GTAAGTTGAATTCACTGGTGGTCCACACAGCAGCTACCCATTAGATCTTCCAATTAAATA-3'
Protein context (NP_000080.2, residues 755-775): PTGPVGAAGP[Ala765=]GPNGPPGPAG

ClinVar aggregate classification (germline): Conflicting classifications of pathogenicity. Review status: criteria provided, conflicting classifications (1 of 4 stars). 2 submissions from 2 submitters: Uncertain significance (1); Likely benign (1). Last evaluated 2025-02-25.

Conditions:
Cardiovascular phenotype. Identifiers: MedGen CN230736.
Ehlers-Danlos syndrome, classic type, 1 (EDSCL1). Also called: EDS I; EHLERS-DANLOS SYNDROME, GRAVIS TYPE; EHLERS-DANLOS SYNDROME, SEVERE CLASSIC TYPE; Ehlers-Danlos syndrome, type 1; Ehlers-Danlos Syndrome, Classic Type, COL5A1-Related. Identifiers: MedGen C0268335, MONDO:0019567, OMIM 130000.
Osteogenesis imperfecta type I (OI1). Also called: Classic Non-deforming Osteogenesis Imperfecta with Blue Sclerae; OI, TYPE I; OSTEOGENESIS IMPERFECTA TARDA; OSTEOGENESIS IMPERFECTA WITH BLUE SCLERAE; Osteogenesis imperfecta type 1; Lobstein's Disease. Identifiers: Orphanet 216796, Orphanet 666, MedGen C0023931, MONDO:0008146, OMIM 166200. Disease mechanism: loss of function.

Allele frequency attached by ClinVar (database versions not stated): TOPMed 0.00003; ExAC 0.00004.
gnomAD v4.1: 40 of 1,588,694 alleles (0.0025%); highest among the groups gnomAD compares: East Asian, 0.09%; no homozygotes.

Submissions (2):

Labcorp Genetics (formerly Invitae), Labcorp
Classification: Uncertain significance for Osteogenesis imperfecta type I; Ehlers-Danlos syndrome, classic type, 1. Last evaluated: 2025-02-25. Review status: criteria provided, single submitter. Criteria: Invitae Variant Classification Sherloc (09022015). Collection method: clinical testing. Allele origin: germline.
Comment: This sequence change affects codon 765 of the COL1A2 mRNA. It is a 'silent' change, meaning that it does not change the encoded amino acid sequence of the COL1A2 protein. It affects a nucleotide within the consensus splice site. This variant is present in population databases (rs749567617, gnomAD 0.09%). This variant has not been reported in the literature in individuals affected with COL1A2-related conditions. ClinVar contains an entry for this variant (Variation ID: 2447079). Algorithms developed to predict the effect of sequence changes on RNA splicing suggest that this variant is not likely to affect RNA splicing. In summary, the available evidence is currently insufficient to determine the role of this variant in disease. Therefore, it has been classified as a Variant of Uncertain Significance.

Ambry Genetics
Classification: Likely benign for Cardiovascular phenotype. Last evaluated: 2023-03-01. Review status: criteria provided, single submitter. Criteria: Ambry Variant Classification Scheme 2023. Collection method: clinical testing. Allele origin: germline.